The following is an entry in ClinVar:

NM_001844.5(COL2A1):c.610-8C>A

Gene: COL2A1 (collagen type II alpha 1 chain; minus strand). Cytogenetic location: 12q13.11.
Variant type: single nucleotide variant.
Coding change: c.610-8C>A on transcript NM_001844.5 (MANE Select); 8 bases into the intron before coding-DNA position 610, C replaced by A.
Molecular consequence: intron variant.
Genome position (GRCh38, 1-based): chr12:47,995,927, G>T on the plus strand (C>A on the coding strand, the complement: COL2A1 is on the minus strand). VCF-style: chr12-47995927-G-T. GRCh37 (hg19) VCF-style: chr12-48389710-G-T.
Other names: c.403-8C>A (NM_033150.3).
Identifiers: ClinVar variation 2111523 (VCV002111523.4), dbSNP rs369362701, ClinGen allele CA2580085503.

ClinVar aggregate classification (germline): Uncertain significance (1 of 4 stars; one submission).

Submission:

Labcorp Genetics (formerly Invitae), Labcorp
Classification: Uncertain significance. Last evaluated: 2022-03-14. Review status: criteria provided, single submitter. Criteria: Invitae Variant Classification Sherloc (09022015). Collection method: clinical testing. Allele origin: germline.
Comment: This sequence change falls in intron 8 of the COL2A1 gene. It does not directly change the encoded amino acid sequence of the COL2A1 protein. This variant is not present in population databases (gnomAD no frequency). This variant has not been reported in the literature in individuals affected with COL2A1-related conditions. Algorithms developed to predict the effect of sequence changes on RNA splicing suggest that this variant may disrupt the consensus splice site. In summary, the available evidence is currently insufficient to determine the role of this variant in disease. Therefore, it has been classified as a Variant of Uncertain Significance.